The following is an entry in ClinVar:

NM_001374828.1(ARID1B):c.5255A>G (p.Lys1752Arg)

Gene: ARID1B (AT-rich interaction domain 1B; plus strand). Cytogenetic location: 6q25.3.
Variant type: single nucleotide variant.
Coding change: c.5255A>G on transcript NM_001374828.1 (MANE Select); coding-DNA position 5255, A replaced by G.
Protein change: p.Lys1752Arg; replaces lysine 1752 with arginine.
Molecular consequence: missense variant.
Genome position (GRCh38, 1-based): chr6:157,201,480, A>G. VCF-style: chr6-157201480-A-G. GRCh37 (hg19) VCF-style: chr6-157522614-A-G.
Other names: c.5006A>G, p.Lys1669Arg (NM_001346813.1); c.2756A>G, p.Lys919Arg (NM_001363725.2); c.5135A>G, p.Lys1712Arg (NM_001371656.1, NM_001374820.1); c.5096A>G, p.Lys1699Arg (NM_017519.3); c.4886A>G, p.Lys1629Arg (NM_020732.3); c.4673A>G, p.Lys1558Arg (NM_175863.2); short protein forms K1558R, K1629R, K1669R, K1699R, K1712R, K1752R, K919R.
Identifiers: ClinVar variation 3067616 (VCV003067616.21), dbSNP rs2538692863, ClinGen allele CA366243273.

ClinVar aggregate classification (germline): Uncertain significance (1 of 4 stars; one submission).

Allele frequency attached by ClinVar (database versions not stated): gnomAD exomes below 0.00001.
gnomAD v4.1: 1 of 1,499,480 alleles (0.000067%); highest among the groups gnomAD compares: Non-Finnish European, 0.000089%; no homozygotes.

Submission:

CeGaT Center for Human Genetics Tuebingen
Classification: Uncertain significance. Last evaluated: 2024-03-01. Review status: criteria provided, single submitter. Criteria: CeGaT Center For Human Genetics Tuebingen Variant Classification Criteria Version 2. Collection method: clinical testing. Allele origin: germline. Affected: yes. Observed: 1 variant allele.
Comment: ARID1B: PM2